The following is an entry in ClinVar:

NM_000455.5(STK11):c.863-4T>G

Gene: STK11 (serine/threonine kinase 11; plus strand). Cytogenetic location: 19p13.3.
Variant type: single nucleotide variant.
Coding change: c.863-4T>G on transcript NM_000455.5 (MANE Select); 4 bases into the intron before coding-DNA position 863, T replaced by G.
Molecular consequence: intron variant.
Genome position (GRCh38, 1-based): chr19:1,221,945, T>G. VCF-style: chr19-1221945-T-G. GRCh37 (hg19) VCF-style: chr19-1221944-T-G.
Identifiers: ClinVar variation 1764115 (VCV001764115.2), dbSNP rs778853572, ClinGen allele CA2580096125.

ClinVar aggregate classification (germline): Uncertain significance (1 of 4 stars; one submission).

Conditions:
Hereditary cancer-predisposing syndrome. Also called: Neoplastic Syndromes, Hereditary; Tumor predisposition; Hereditary Cancer Syndrome; Hereditary neoplastic syndrome. Identifiers: Orphanet 140162, MedGen C0027672, MeSH D009386, MONDO:0015356.

Submission:

Ambry Genetics
Classification: Uncertain significance for Hereditary cancer-predisposing syndrome. Last evaluated: 2020-12-31. Review status: criteria provided, single submitter. Criteria: Ambry Variant Classification Scheme 2023. Collection method: clinical testing. Allele origin: germline.
Comment: The c.863-4T>G intronic variant results from a T to G substitution 4 nucleotides upstream from coding exon 7 in the STK11 gene. This nucleotide position is not well conserved in available vertebrate species. In silico splice site analysis predicts that this alteration will not have any significant effect on splicing. Since supporting evidence is limited at this time, the clinical significance of this alteration remains unclear.